The following is an entry in ClinVar:

ClinVar aggregate classification (germline): Likely pathogenic (1 of 4 stars; one submission).

Conditions:
Heterotaxy, visceral, 6, autosomal (HTX6). Also called: Heterotaxy, visceral, 6, autosomal recessive. Identifiers: Orphanet 450, MedGen C3553676, MONDO:0013887, OMIM 614779.

Submission:

Juno Genomics, Hangzhou Juno Genomics, Inc
Classification: Likely pathogenic for Heterotaxy, visceral, 6, autosomal. Review status: criteria provided, single submitter. Criteria: ACMG Guidelines, 2015. Collection method: clinical testing. Allele origin: germline.
Comment: Absent from controls (or at extremely low frequency if recessive) in Genome Aggregation Database.;Null variant in a gene where loss of function (LOF) is a known mechanism of disease.

NM_145020.5(CFAP53):c.1219C>T (p.Arg407Ter)

Gene: CFAP53 (cilia and flagella associated protein 53; minus strand). Cytogenetic location: 18q21.1.
Variant type: single nucleotide variant.
Coding change: c.1219C>T on transcript NM_145020.5 (MANE Select); coding-DNA position 1219, C replaced by T.
Protein change: p.Arg407Ter; replaces arginine 407 with a stop codon.
Molecular consequence: nonsense.
Genome position (GRCh38, 1-based): chr18:50,238,700, G>A on the plus strand (C>T on the coding strand, the complement: CFAP53 is on the minus strand). VCF-style: chr18-50238700-G-A. GRCh37 (hg19) VCF-style: chr18-47765070-G-A.
Other names: short protein forms R407*.
Identifiers: ClinVar variation 5018879 (VCV005018879.2).